The following is an entry in ClinVar:

ClinVar aggregate classification (germline): Likely benign. Review status: criteria provided, multiple submitters, no conflicts (2 of 4 stars). 4 submissions from 4 submitters: Likely benign (4). Last evaluated 2025-12-12.

Conditions:
Cystic fibrosis (CF). Also called: MUCOVISCIDOSIS. Identifiers: Orphanet 586, MedGen C0010674, MONDO:0009061, OMIM 219700. Disease mechanism: loss of function.
CFTR-related disorder (CFTR-RD). Also called: CFTR-related disorders; CFTR-related condition. Identifiers: MedGen C5924204, MONDO:7770004.

Allele frequency attached by ClinVar (database versions not stated): gnomAD exomes below 0.00001; TOPMed below 0.00001.
gnomAD v4.1: 7 of 1,613,952 alleles (0.00043%); highest among the groups gnomAD compares: East Asian, 0.0022%; no homozygotes.

Submissions (4):

PreventionGenetics, part of Exact Sciences
Classification: Likely benign for CFTR-related condition. Last evaluated: 2025-12-12. Review status: criteria provided, single submitter. Criteria: ACMG Guidelines, 2015. Collection method: clinical testing. Allele origin: germline.
Comment: This variant is classified as likely benign based on ACMG/AMP sequence variant interpretation guidelines (Richards et al. 2015 PMID: 25741868, with internal and published modifications).

Labcorp Genetics (formerly Invitae), Labcorp
Classification: Likely benign for Cystic fibrosis. Last evaluated: 2025-11-23. Review status: criteria provided, single submitter. Criteria: Invitae Variant Classification Sherloc (09022015). Collection method: clinical testing. Allele origin: germline.

Ambry Genetics
Classification: Likely benign for Cystic fibrosis. Last evaluated: 2025-09-25. Review status: criteria provided, single submitter. Criteria: Ambry Variant Classification Scheme 2023. Collection method: clinical testing. Allele origin: germline.

CeGaT Center for Human Genetics Tuebingen
Classification: Likely benign. Last evaluated: 2024-02-01. Review status: criteria provided, single submitter. Criteria: CeGaT Center For Human Genetics Tuebingen Variant Classification Criteria Version 2. Collection method: clinical testing. Allele origin: germline. Affected: yes. Observed: 1 variant allele.
Comment: CFTR: PM2:Supporting, BP4, BP7

NM_000492.4(CFTR):c.2106C>G (p.Leu702=)

Gene: CFTR (CF transmembrane conductance regulator; plus strand). Cytogenetic location: 7q31.2.
Variant type: single nucleotide variant.
Coding change: c.2106C>G on transcript NM_000492.4 (MANE Select); coding-DNA position 2106, C replaced by G.
Protein change: p.Leu702=; no amino-acid change (leucine 702 retained).
Molecular consequence: synonymous variant.
Genome position (GRCh38, 1-based): chr7:117,592,273, C>G. VCF-style: chr7-117592273-C-G. GRCh37 (hg19) VCF-style: chr7-117232327-C-G.
Identifiers: ClinVar variation 1132457 (VCV001132457.34), dbSNP rs1800102, ClinGen allele CA164947832.